The following is an entry in ClinVar:

ClinVar aggregate classification (germline): Uncertain significance. Review status: criteria provided, multiple submitters, no conflicts (2 of 4 stars). 3 submissions from 3 submitters: Uncertain significance (3). Last evaluated 2024-10-19.

Conditions:
Arrhythmogenic right ventricular dysplasia 5. Also called: Arrhythmogenic Right Ventricular Dysplasia/Cardiomyopathy 5; ARRHYTHMOGENIC RIGHT VENTRICULAR DYSPLASIA, FAMILIAL, 5. Identifiers: MedGen C1858379, MONDO:0011459, OMIM 604400.
Cardiomyopathy (CMYO). Also called: Cardiomyopathies. Identifiers: Orphanet 167848, MedGen C0878544, MONDO:0004994, HP:0001638. Inheritance: Various modes of inheritance.
Cardiovascular phenotype. Identifiers: MedGen CN230736.

Submissions (3):

Ambry Genetics
Classification: Uncertain significance for Cardiovascular phenotype. Last evaluated: 2024-10-19. Review status: criteria provided, single submitter. Criteria: Ambry Variant Classification Scheme 2023. Collection method: clinical testing. Allele origin: germline.
Comment: The p.R302W variant (also known as c.904A>T), located in coding exon 11 of the TMEM43 gene, results from an A to T substitution at nucleotide position 904. The arginine at codon 302 is replaced by tryptophan, an amino acid with dissimilar properties. This amino acid position is conserved. In addition, this alteration is predicted to be tolerated by in silico analysis. Based on the available evidence, the clinical significance of this variant remains unclear.

All of Us Research Program, National Institutes of Health
Classification: Uncertain significance for Arrhythmogenic right ventricular dysplasia 5. Last evaluated: 2023-11-02. Review status: criteria provided, single submitter. Criteria: ACMG Guidelines, 2015. Collection method: clinical testing. Allele origin: germline. Inheritance: Autosomal dominant inheritance. Observed: 1 variant allele, 1 heterozygote.
Comment: This missense variant replaces arginine with tryptophan at codon 302 of the TMEM43 protein. Computational prediction suggests that this variant may not impact protein structure and function (internally defined REVEL score threshold <= 0.5, PMID: 27666373). To our knowledge, functional studies have not been reported for this variant. This variant has not been reported in individuals affected with TMEM43-related disorders in the literature. This variant has not been identified in the general population by the Genome Aggregation Database (gnomAD). The available evidence is insufficient to determine the role of this variant in disease conclusively. Therefore, this variant is classified as a Variant of Uncertain Significance.

This study involves interpretation of variants in research participants for the purpose of population health screening. Participant phenotype was not available at the time of variant classification. Additional details can be found in publication PMID: 35346344, PMCID: PMC8962531

Color Diagnostics, LLC DBA Color Health
Classification: Uncertain significance for Cardiomyopathy. Last evaluated: 2023-10-18. Review status: criteria provided, single submitter. Criteria: ACMG Guidelines, 2015. Collection method: clinical testing. Allele origin: germline.
Comment: This missense variant replaces arginine with tryptophan at codon 302 of the TMEM43 protein. Computational prediction suggests that this variant may not impact protein structure and function. To our knowledge, functional studies have not been reported for this variant. This variant has not been reported in individuals affected with TMEM43-related disorders in the literature. This variant has not been identified in the general population by the Genome Aggregation Database (gnomAD). The available evidence is insufficient to determine the role of this variant in disease conclusively. Therefore, this variant is classified as a Variant of Uncertain Significance.

NM_024334.3(TMEM43):c.904A>T (p.Arg302Trp)

Gene: TMEM43 (transmembrane protein 43; plus strand). Cytogenetic location: 3p25.1.
Variant type: single nucleotide variant.
Coding change: c.904A>T on transcript NM_024334.3 (MANE Select); coding-DNA position 904, A replaced by T.
Protein change: p.Arg302Trp; replaces arginine 302 with tryptophan.
Molecular consequence: missense variant.
Genome position (GRCh38, 1-based): chr3:14,139,201, A>T. VCF-style: chr3-14139201-A-T. GRCh37 (hg19) VCF-style: chr3-14180701-A-T.
Other names: c.907A>T, p.Arg303Trp (NM_001407274.1); c.901A>T, p.Arg301Trp (NM_001407275.1, NM_001407276.1); c.898A>T, p.Arg300Trp (NM_001407277.1); c.889A>T, p.Arg297Trp (NM_001407278.1); c.829A>T, p.Arg277Trp (NM_001407279.1); c.754A>T, p.Arg252Trp (NM_001407280.1); short protein forms R252W, R277W, R297W, R300W, R301W, R302W, R303W.
Identifiers: ClinVar variation 3074226 (VCV003074226.3), dbSNP rs2470196654, ClinGen allele CA351536119.
Genomic context (GRCh38, chr3:14,139,201, plus strand): 5'-GCCCTCAGCATCCTGACCTGCCCCCACCTTGTCCTGCAGGAGGTGTTTCATAGAGAACTA[A>T]GGAGCAACTCCATGAAGACCTGGGGCCTGCGGGCAGCTGGCTGGATGGCCATGTTCATGG-3'
Protein context (NP_077310.1, residues 292-312): SAEEVFHREL[Arg302Trp]SNSMKTWGLR